The following is an entry in ClinVar:

NM_005609.4(PYGM):c.661-601G>A

Gene: PYGM (glycogen phosphorylase, muscle associated; minus strand). Cytogenetic location: 11q13.1.
Variant type: single nucleotide variant.
Coding change: c.661-601G>A on transcript NM_005609.4 (MANE Select); 601 bases into the intron before coding-DNA position 661, G replaced by A.
Molecular consequence: intron variant.
Genome position (GRCh38, 1-based): chr11:64,756,159, C>T on the plus strand (G>A on the coding strand, the complement: PYGM is on the minus strand). VCF-style: chr11-64756159-C-T. GRCh37 (hg19) VCF-style: chr11-64523631-C-T.
Other names: IVS5AS, G-A, -601; c.397-601G>A (NM_001164716.1).
Identifiers: ClinVar variation 2315 (VCV000002315.7), dbSNP rs1474863903, ClinGen allele CA679275575.
Genomic context (GRCh38, chr11:64,756,159, plus strand): 5'-TCACTCCTCTAAGCGAGCCCTTTTAAGGGGCATCGCCCTCCCTCCCCACATTCAGTCACC[C>T]TGATTGGTGCAGGGTGGGAGTTGACACAGAGAGAGGGAAGGGACCCATCCCCGAGCACAC-3'

ClinVar aggregate classification (germline): Pathogenic/Likely pathogenic. Review status: criteria provided, multiple submitters, no conflicts (2 of 4 stars). 3 submissions from 3 submitters: Pathogenic (1); Likely pathogenic (1). 1 of the submissions does not count toward it. Last evaluated 2024-03-13.

Conditions:
Glycogen storage disease, type V (GSD5). Also called: MCARDLE DISEASE; MUSCLE GLYCOGEN PHOSPHORYLASE DEFICIENCY; MYOPHOSPHORYLASE DEFICIENCY; PYGM DEFICIENCY; McArdle type glycogen storage disease. Identifiers: Orphanet 368, MedGen C0017924, MONDO:0009293, OMIM 232600.
McArdle disease, mild. Identifiers: MedGen C4017156.

Allele frequency attached by ClinVar (database versions not stated): TOPMed below 0.00001; gnomAD 0.00001.

Submissions (3):

Labcorp Genetics (formerly Invitae), Labcorp
Classification: Pathogenic for Glycogen storage disease, type V. Last evaluated: 2024-03-13. Review status: criteria provided, single submitter. Criteria: Invitae Variant Classification Sherloc (09022015). Collection method: clinical testing. Allele origin: germline.
Comment: This sequence change falls in intron 5 of the PYGM gene. It does not directly change the encoded amino acid sequence of the PYGM protein. RNA analysis indicates that this variant induces altered splicing and may result in an absent or disrupted protein product. This variant is not present in population databases (gnomAD no frequency). This variant has been observed in individual(s) with McArdle disease (PMID: 19433441). In at least one individual the data is consistent with being in trans (on the opposite chromosome) from a pathogenic variant. This variant is also known as IVS5-601G>A (c.856-601G>A). ClinVar contains an entry for this variant (Variation ID: 2315). Studies have shown that this variant results in altered splicing and introduces a premature termination codon (PMID: 19433441). The resulting mRNA is expected to undergo nonsense-mediated decay. For these reasons, this variant has been classified as Pathogenic.

Baylor Genetics
Classification: Likely pathogenic for Glycogen storage disease, type V. Last evaluated: 2023-04-10. Review status: criteria provided, single submitter. Criteria: ACMG Guidelines, 2015. Collection method: clinical testing. Allele origin: unknown.

OMIM
Classification: Pathogenic for MCARDLE DISEASE, MILD. Last evaluated: 2009-06-01. Review status: no assertion criteria provided. Collection method: literature only. Allele origin: germline. Not counted in ClinVar's aggregate classification.

Literature cited by the submitters: PubMed 19433441 (cited by Labcorp Genetics (formerly Invitae), Labcorp and OMIM).